The following is an entry in ClinVar:

ClinVar aggregate classification (germline): Conflicting classifications of pathogenicity. Review status: criteria provided, conflicting classifications (1 of 4 stars). 5 submissions from 5 submitters: Uncertain significance (1); Likely benign (3). 1 of the submissions does not count toward it. Last evaluated 2025-10-05.

Conditions:
LRP4-related disorder. Also called: LRP4-related condition.
Congenital myasthenic syndrome 17. Identifiers: Orphanet 590, MedGen C4225377, MONDO:0014578, OMIM 616304.
Sclerosteosis 2 (SOST2). Identifiers: Orphanet 3152, MedGen C3280402, MONDO:0013679, OMIM 614305.
Cenani-Lenz syndactyly syndrome. Also called: SYNDACTYLY, TYPE VII; CENANI SYNDACTYLISM. Identifiers: Orphanet 3258, MedGen C1859309, MONDO:0008931, OMIM 212780.

Allele frequency attached by ClinVar (database versions not stated): 1000 Genomes Project 0.00020; gnomAD 0.00020 and 0.00021; gnomAD exomes 0.00023 and 0.00014; TOPMed 0.00026; ESP Exome Variant Server 0.00069; 1000 Genomes Project 30x 0.00016; ExAC 0.00017.
gnomAD v4.1: 368 of 1,613,980 alleles (0.023%); highest among the groups gnomAD compares: Non-Finnish European, 0.03%; no homozygotes.

Submissions (5):

Labcorp Genetics (formerly Invitae), Labcorp
Classification: Likely benign for Cenani-Lenz syndactyly syndrome; Sclerosteosis 2; Congenital myasthenic syndrome 17. Last evaluated: 2025-10-05. Review status: criteria provided, single submitter. Criteria: Invitae Variant Classification Sherloc (09022015). Collection method: clinical testing. Allele origin: germline.

Blueprint Genetics
Classification: Likely benign. Last evaluated: 2024-11-13. Review status: criteria provided, single submitter. Criteria: ACMG Guidelines, 2015. Collection method: clinical testing. Allele origin: germline.

CeGaT Center for Human Genetics Tuebingen
Classification: Likely benign. Last evaluated: 2020-07-01. Review status: criteria provided, single submitter. Criteria: CeGaT Center For Human Genetics Tuebingen Variant Classification Criteria Version 2. Collection method: clinical testing. Allele origin: germline. Affected: yes. Observed: 1 variant allele.

Illumina Laboratory Services, Illumina
Classification: Uncertain significance for Cenani-Lenz syndactyly syndrome. Last evaluated: 2018-01-12. Review status: criteria provided, single submitter. Criteria: ICSL Variant Classification Criteria 13 December 2019. Collection method: clinical testing. Allele origin: germline.

PreventionGenetics, part of Exact Sciences
Classification: Likely benign for LRP4-related condition. Last evaluated: 2021-08-20. Review status: no assertion criteria provided. Collection method: clinical testing. Allele origin: germline. Not counted in ClinVar's aggregate classification.
Comment: This variant is classified as likely benign based on ACMG/AMP sequence variant interpretation guidelines (Richards et al. 2015 PMID: 25741868, with internal and published modifications).

NM_002334.4(LRP4):c.1491C>T (p.Leu497=)

Gene: LRP4 (LDL receptor related protein 4; minus strand). Cytogenetic location: 11p11.2.
Variant type: single nucleotide variant.
Coding change: c.1491C>T on transcript NM_002334.4 (MANE Select); coding-DNA position 1491, C replaced by T.
Protein change: p.Leu497=; no amino-acid change (leucine 497 retained).
Molecular consequence: synonymous variant.
Genome position (GRCh38, 1-based): chr11:46,894,638, G>A on the plus strand (C>T on the coding strand, the complement: LRP4 is on the minus strand). VCF-style: chr11-46894638-G-A. GRCh37 (hg19) VCF-style: chr11-46916189-G-A.
Identifiers: ClinVar variation 772181 (VCV000772181.52), dbSNP rs146501212, ClinGen allele CA5970139.